The following is an entry in ClinVar:

NM_001114753.3(ENG):c.782G>A (p.Trp261Ter)

Gene: ENG (endoglin; minus strand). Cytogenetic location: 9q34.11.
Variant type: single nucleotide variant.
Coding change: c.782G>A on transcript NM_001114753.3 (MANE Select); coding-DNA position 782, G replaced by A.
Protein change: p.Trp261Ter; replaces tryptophan 261 with a stop codon.
Molecular consequence: nonsense.
Genome position (GRCh38, 1-based): chr9:127,825,265, C>T on the plus strand (G>A on the coding strand, the complement: ENG is on the minus strand). VCF-style: chr9-127825265-C-T. GRCh37 (hg19) VCF-style: chr9-130587544-C-T.
Other names: c.782G>A, p.Trp261Ter (NM_000118.4, NM_001406715.1); c.236G>A, p.Trp79Ter (NM_001278138.2); short protein forms W261*, W79*.
Identifiers: ClinVar variation 458353 (VCV000458353.10), dbSNP rs1060501420, ClinGen allele CA374983201.
Genomic context (GRCh38, chr9:127,825,265, plus strand): 5'-TGTCCCGGGAGCTGCGCACAACTCACCCAGATCTGCATGTTGTGGTTGGCGTCGATGAGC[C>T]AGGACACGTAGGGGGGACCCTGCAGGATGAGGACGGCATCGAGATCCCCGGGTGCGCAGC-3'

ClinVar aggregate classification (germline): Pathogenic (1 of 4 stars; one submission).

Conditions:
Hereditary hemorrhagic telangiectasia (HHT). Also called: ORW DISEASE; Osler Weber Rendu syndrome; OSLER-RENDU-WEBER DISEASE; Osler hemorrhagic telangiectasia syndrome. Identifiers: Orphanet 774, MedGen C0039445, MONDO:0019180. Disease mechanism: loss of function.

Submission:

Labcorp Genetics (formerly Invitae), Labcorp
Classification: Pathogenic for Hereditary hemorrhagic telangiectasia. Last evaluated: 2017-09-16. Review status: criteria provided, single submitter. Criteria: Invitae Variant Classification Sherloc (09022015). Collection method: clinical testing. Allele origin: germline.
Comment: For these reasons, this variant has been classified as Pathogenic. Loss-of-function variants in ENG are known to be pathogenic (PMID: 21158752, 12673790). Algorithms developed to predict the effect of sequence changes on RNA splicing suggest that this variant may create or strengthen a splice site, but this prediction has not been confirmed by published transcriptional studies. This variant has been reported in a single family affected with hereditary hemorrhagic telangiectasia (HHT) (PMID: 11440987). This variant is also known as Delta260 in the literature. This variant is not present in population databases (ExAC no frequency). This sequence change creates a premature translational stop signal (p.Trp261*) in the ENG gene. It is expected to result in an absent or disrupted protein product. Protein with this sequence change was undetectable in individuals with this nonsense variant (PMID: 11440987).

Literature cited by the submitters: PubMed 21158752; PubMed 12673790; PubMed 11440987.